The following is an entry in ClinVar:

ClinVar aggregate classification (germline): Benign. Review status: criteria provided, single submitter (1 of 4 stars). 2 submissions from 1 submitter: Benign (2). Last evaluated 2018-01-12.

Conditions:
Primary open angle glaucoma (POAG). Also called: OPTN-related open angle glaucoma. Identifiers: MedGen C0339573, MONDO:0100553, OMIM 137760.
Amyotrophic lateral sclerosis type 12 (ALS12). Also called: AMYOTROPHIC LATERAL SCLEROSIS 12 WITH OR WITHOUT FRONTOTEMPORAL DEMENTIA. Identifiers: Orphanet 803, MedGen C3150692, MONDO:0013264, OMIM 613435.

Allele frequency attached by ClinVar (database versions not stated): 1000 Genomes Project 30x 0.01031; 1000 Genomes Project 0.01058; gnomAD 0.01097 and 0.01192; TOPMed 0.01227.

Submissions (2):

Illumina Laboratory Services, Illumina
Classification: Benign for Amyotrophic lateral sclerosis type 12. Last evaluated: 2018-01-12. Review status: criteria provided, single submitter. Criteria: ICSL Variant Classification Criteria 13 December 2019. Collection method: clinical testing. Allele origin: germline.
Comment: This variant was observed in the ICSL laboratory as part of a predisposition screen in an ostensibly healthy population. It had not been previously curated by ICSL or reported in the Human Gene Mutation Database (HGMD: prior to June 1st, 2018), and was therefore a candidate for classification through an automated scoring system. Utilizing variant allele frequency, disease prevalence and penetrance estimates, and inheritance mode, an automated score was calculated to assess if this variant is too frequent to cause the disease. Based on the score and internal cut-off values, a variant classified as benign is not then subjected to further curation. The score for this variant resulted in a classification of benign for this disease.

Illumina Laboratory Services, Illumina
Classification: Benign for Primary open angle glaucoma. Last evaluated: 2018-01-12. Review status: criteria provided, single submitter. Criteria: ICSL Variant Classification Criteria 13 December 2019. Collection method: clinical testing. Allele origin: germline.
Comment: the same text as in the submission from Illumina Laboratory Services, Illumina above.

NM_001008212.2(OPTN):c.-255C>G

Genes: OPTN (optineurin; plus strand), LOC130003370 (ATAC-STARR-seq lymphoblastoid silent region 2150; plus strand). Cytogenetic location: 10p13.
Variant type: single nucleotide variant.
Coding change: c.-255C>G on transcript NM_001008212.2 (MANE Select); 255 bases upstream of the start codon, C replaced by G.
Molecular consequence: 5 prime UTR variant.
Genome position (GRCh38, 1-based): chr10:13,100,211, C>G. VCF-style: chr10-13100211-C-G. GRCh37 (hg19) VCF-style: chr10-13142211-C-G.
Other names: c.-324C>G (NM_001008211.1); c.-309C>G (NM_001008213.1); c.-103C>G (NM_021980.4).
Identifiers: ClinVar variation 299205 (VCV000299205.5), dbSNP rs2580915, ClinGen allele CA10628199.
Genomic context (GRCh38, chr10:13,100,211, plus strand): 5'-CCTAGGCACCCCAGTCCCGGCTGCCCCCTCCGCCACCGCCGCCGCCCGCCGGCAGGTTCC[C>G]TGGTCAGCGTCCCATCCCGGTCGGGAGTTCTCTCCAGGCGGCACGATGCCGAGGAAACAG-3'